The following is an entry in ClinVar:

ClinVar aggregate classification (germline): Uncertain significance. Review status: criteria provided, multiple submitters, no conflicts (2 of 4 stars). 2 submissions from 2 submitters: Uncertain significance (2). Last evaluated 2024-11-05.

Conditions:
Spastic paraplegia. Identifiers: MedGen C0037772, HP:0001258.

gnomAD v4.1: 4 of 1,501,264 alleles (0.00027%); highest among the groups gnomAD compares: Admixed American, 0.0086%; no homozygotes.

Submissions (2):

Labcorp Genetics (formerly Invitae), Labcorp
Classification: Uncertain significance for Spastic paraplegia. Last evaluated: 2024-11-05. Review status: criteria provided, single submitter. Criteria: Invitae Variant Classification Sherloc (09022015). Collection method: clinical testing. Allele origin: germline.
Comment: This sequence change replaces proline, which is neutral and non-polar, with glutamine, which is neutral and polar, at codon 20 of the CYP7B1 protein (p.Pro20Gln). The frequency data for this variant in the population databases is considered unreliable, as metrics indicate poor data quality at this position in the gnomAD database. This variant has not been reported in the literature in individuals affected with CYP7B1-related conditions. ClinVar contains an entry for this variant (Variation ID: 1806875). An algorithm developed to predict the effect of missense changes on protein structure and function outputs the following: PolyPhen-2: "Benign". The glutamine amino acid residue is found in multiple mammalian species, which suggests that this missense change does not adversely affect protein function. In summary, the available evidence is currently insufficient to determine the role of this variant in disease. Therefore, it has been classified as a Variant of Uncertain Significance.

Athena Diagnostics
Classification: Uncertain significance. Last evaluated: 2022-11-16. Review status: criteria provided, single submitter. Criteria: Athena Diagnostics Criteria. Collection method: clinical testing. Allele origin: unknown.
Comment: Available data are insufficient to determine the clinical significance of the variant at this time. The frequency of this variant in the general population is uninformative in assessment of its pathogenicity. Computational tools predict that this variant is not damaging.

NM_004820.5(CYP7B1):c.59C>A (p.Pro20Gln)

Gene: CYP7B1 (cytochrome P450 family 7 subfamily B member 1; minus strand). Cytogenetic location: 8q12.3.
Variant type: single nucleotide variant.
Coding change: c.59C>A on transcript NM_004820.5 (MANE Select); coding-DNA position 59, C replaced by A.
Protein change: p.Pro20Gln; replaces proline 20 with glutamine.
Molecular consequence: missense variant.
Genome position (GRCh38, 1-based): chr8:64,798,529, G>T on the plus strand (C>A on the coding strand, the complement: CYP7B1 is on the minus strand). VCF-style: chr8-64798529-G-T. GRCh37 (hg19) VCF-style: chr8-65711086-G-T.
Other names: c.59C>A, p.Pro20Gln (NM_001324112.2); short protein forms P20Q.
Identifiers: ClinVar variation 1806875 (VCV001806875.6), dbSNP rs537303950, ClinGen allele CA371408241.